The following is an entry in ClinVar:

NM_004733.4(SLC33A1):c.763G>A (p.Val255Ile)

Gene: SLC33A1 (solute carrier family 33 member 1; minus strand). Cytogenetic location: 3q25.31.
Variant type: single nucleotide variant.
Coding change: c.763G>A on transcript NM_004733.4 (MANE Select); coding-DNA position 763, G replaced by A.
Protein change: p.Val255Ile; replaces valine 255 with isoleucine.
Molecular consequence: missense variant.
Genome position (GRCh38, 1-based): chr3:155,853,235, C>T on the plus strand (G>A on the coding strand, the complement: SLC33A1 is on the minus strand). VCF-style: chr3-155853235-C-T. GRCh37 (hg19) VCF-style: chr3-155571024-C-T.
Other names: c.763G>A, p.Val255Ile (NM_001190992.2, NM_001363883.1); short protein forms V255I.
Identifiers: ClinVar variation 1414449 (VCV001414449.7), dbSNP rs1173522838, ClinGen allele CA355142891.
Genomic context (GRCh38, chr3:155,853,235, plus strand): 5'-TTCAAAAGGATAAATAAACCTAACACCATAATAGCTTAAATACACTACCTGAAAGAGTAA[C>T]GATTCCTCTGGGTTGAGGCTGAAACCGCAAATATTTGTTACAAAAGTCGGCAGATTCAAG-3'
Protein context (NP_004724.1, residues 245-265): LRFQPQPRGI[Val255Ile]TLSDFLFFWG

ClinVar aggregate classification (germline): Uncertain significance. Review status: criteria provided, multiple submitters, no conflicts (2 of 4 stars). 2 submissions from 2 submitters: Uncertain significance (2). Last evaluated 2022-09-01.

Conditions:
Spastic paraplegia. Identifiers: MedGen C0037772, HP:0001258.

Allele frequency attached by ClinVar (database versions not stated): gnomAD exomes 0.00001; gnomAD 0.00002; TOPMed 0.00002.
gnomAD v4.1: 22 of 1,613,400 alleles (0.0014%); highest among the groups gnomAD compares: Non-Finnish European, 0.0019%; no homozygotes.

Submissions (2):

Women's Health and Genetics/Laboratory Corporation of America, LabCorp
Classification: Uncertain significance. Last evaluated: 2022-09-01. Review status: criteria provided, single submitter. Criteria: LabCorp Variant Classification Summary - May 2015. Collection method: clinical testing. Allele origin: germline.
Comment: Variant summary: SLC33A1 c.763G>A (p.Val255Ile) results in a conservative amino acid change in the encoded protein sequence. Three of five in-silico tools predict a benign effect of the variant on protein function. The variant allele was found at a frequency of 2e-05 in 150924 control chromosomes (gnomAD v3.1.2). The available data on variant occurrences in the general population are insufficient to allow any conclusion about variant significance. To our knowledge, no occurrence of c.763G>A in individuals affected with Congenital Cataract-Hearing Loss-Severe Developmental Delay Syndrome and no experimental evidence demonstrating its impact on protein function have been reported. One ClinVar submitter has assessed the variant since 2014 without providing evidence for independent evaluation: the variant was classified as uncertain significance. Based on the evidence outlined above, the variant was classified as uncertain significance.

Labcorp Genetics (formerly Invitae), Labcorp
Classification: Uncertain significance for Spastic paraplegia. Last evaluated: 2022-08-23. Review status: criteria provided, single submitter. Criteria: Invitae Variant Classification Sherloc (09022015). Collection method: clinical testing. Allele origin: germline.
Comment: In summary, the available evidence is currently insufficient to determine the role of this variant in disease. Therefore, it has been classified as a Variant of Uncertain Significance. Algorithms developed to predict the effect of missense changes on protein structure and function (SIFT, PolyPhen-2, Align-GVGD) all suggest that this variant is likely to be tolerated. ClinVar contains an entry for this variant (Variation ID: 1414449). This variant has not been reported in the literature in individuals affected with SLC33A1-related conditions. This variant is present in population databases (no rsID available, gnomAD 0.007%). This sequence change replaces valine, which is neutral and non-polar, with isoleucine, which is neutral and non-polar, at codon 255 of the SLC33A1 protein (p.Val255Ile).